The following is an entry in ClinVar:

ClinVar aggregate classification (germline): Uncertain significance. Review status: criteria provided, multiple submitters, no conflicts (2 of 4 stars). 7 submissions from 7 submitters: Uncertain significance (6). 1 of the submissions does not count toward it. Last evaluated 2026-01-07.

Conditions:
Hereditary cancer-predisposing syndrome. Also called: Neoplastic Syndromes, Hereditary; Hereditary neoplastic syndrome; Tumor predisposition; Hereditary Cancer Syndrome. Identifiers: Orphanet 140162, MedGen C0027672, MeSH D009386, MONDO:0015356.
Ataxia-telangiectasia syndrome (AT). Also called: Ataxia telangiectasia (A-T); Cerebello-oculocutaneous telangiectasia; Immunodeficiency with ataxia telangiectasia; LOUIS-BAR SYNDROME; AT, COMPLEMENTATION GROUP C; ATAXIA-TELANGIECTASIA, FRESNO VARIANT. Identifiers: Orphanet 100, MedGen C0004135, MONDO:0008840, OMIM 208900.
Familial cancer of breast. Also called: hereditary breast carcinoma; Hereditary breast cancer; BREAST CANCER, FAMILIAL. Identifiers: Orphanet 227535, MedGen C0346153, MONDO:0016419, OMIM 114480. Disease mechanism: loss of function.

Allele frequency attached by ClinVar (database versions not stated): ExAC 0.00001; gnomAD exomes below 0.00001 and 0.00001.
gnomAD v4.1: 3 of 1,614,188 alleles (0.00019%); highest among the groups gnomAD compares: East Asian, 0.0067%; no homozygotes.

Submissions (7):

Labcorp Genetics (formerly Invitae), Labcorp
Classification: Uncertain significance for Ataxia-telangiectasia syndrome. Last evaluated: 2026-01-07. Review status: criteria provided, single submitter. Criteria: Invitae Variant Classification Sherloc (09022015). Collection method: clinical testing. Allele origin: germline.
Comment: This sequence change replaces glycine, which is neutral and non-polar, with aspartic acid, which is acidic and polar, at codon 3023 of the ATM protein (p.Gly3023Asp). This variant is present in population databases (rs769548726, gnomAD 0.006%). This missense change has been observed in individual(s) with breast cancer (PMID: 30287823). ClinVar contains an entry for this variant (Variation ID: 236797). Invitae Evidence Modeling of protein sequence and biophysical properties (such as structural, functional, and spatial information, amino acid conservation, physicochemical variation, residue mobility, and thermodynamic stability) has been performed for this missense variant. However, the output from this modeling did not meet the statistical confidence thresholds required to predict the impact of this variant on ATM protein function. In summary, the available evidence is currently insufficient to determine the role of this variant in disease. Therefore, it has been classified as a Variant of Uncertain Significance.

Ambry Genetics
Classification: Uncertain significance for Hereditary cancer-predisposing syndrome. Last evaluated: 2025-04-25. Review status: criteria provided, single submitter. Criteria: Ambry Variant Classification Scheme 2023. Collection method: clinical testing. Allele origin: germline.
Comment: The p.G3023D variant (also known as c.9068G>A), located in coding exon 62 of the ATM gene, results from a G to A substitution at nucleotide position 9068. The glycine at codon 3023 is replaced by aspartic acid, an amino acid with similar properties. This alteration was observed in with an allele frequency of 0.00057 in 7,051 unselected female breast cancer patients and was observed with an allele frequency of 0.00044 in 11,241 female controls of Japanese ancestry. In addition, it was not observed in unselected male breast cancer patients and was observed with an allele frequency of 0.003 in 12490 male controls of Japanese ancestry (Momozawa Y et al. Nat Commun. 2018 10;9:4083). This amino acid position is highly conserved in available vertebrate species. In addition, the in silico prediction for this alteration is inconclusive. Based on the available evidence, the clinical significance of this variant remains unclear.

Color Diagnostics, LLC DBA Color Health
Classification: Uncertain significance for Hereditary cancer-predisposing syndrome. Last evaluated: 2024-08-06. Review status: criteria provided, single submitter. Criteria: ACMG Guidelines, 2015. Collection method: clinical testing. Allele origin: germline.
Comment: This missense variant replaces glycine with aspartic acid at codon 3023 of the ATM protein. Computational prediction suggests that this variant may have deleterious impact on protein structure and function. To our knowledge, functional studies have not been performed for this variant. This variant has been reported in individuals affected with breast cancer (PMID: 30287823, 33471991). This variant has been identified in 1/251458 chromosomes in the general population by the Genome Aggregation Database (gnomAD). The available evidence is insufficient to determine the role of this variant in disease conclusively. Therefore, this variant is classified as a Variant of Uncertain Significance.

Baylor Genetics
Classification: Uncertain significance for Familial cancer of breast. Last evaluated: 2024-02-19. Review status: criteria provided, single submitter. Criteria: ACMG Guidelines, 2015. Collection method: clinical testing. Allele origin: unknown.

Sema4
Classification: Uncertain significance for Hereditary cancer-predisposing syndrome. Last evaluated: 2022-02-17. Review status: criteria provided, single submitter. Criteria: Sema4 Curation Guidelines. Collection method: curation. Allele origin: germline.
Comment: The ATM c.9068G>A (p.G3023D) variant has been reported in heterozygosity in at least 5 individuals with breast cancer (PMID: 30287823, 33471991); however, it has also been reported in control individuals (PMID: 30287823). It was observed in 1/18394 chromosomes in the East Asian population, according to the Genome Aggregation Database (PMID: 32461654). This variant has been reported in ClinVar (Variation ID: 236797). In silico tools suggest the impact of the variant on protein function is deleterious, though these predictions have not been confirmed by functional studies. The evidence is insufficient to meet ACMG/AMP criteria for classifying the variant as benign or pathogenic. Thus, the clinical significance of this variant is currently uncertain.

Women's Health and Genetics/Laboratory Corporation of America, LabCorp
Classification: Uncertain significance. Last evaluated: 2021-11-18. Review status: criteria provided, single submitter. Criteria: LabCorp Variant Classification Summary - May 2015. Collection method: clinical testing. Allele origin: germline.
Comment: Variant summary: ATM c.9068G>A (p.Gly3023Asp) results in a non-conservative amino acid change located in the Phosphatidylinositol 3-/4-kinase, catalytic domain (IPR000403) in the last exon of the encoded protein sequence. Four of five in-silico tools predict a damaging effect of the variant on protein function. The variant allele was found at a frequency of 4e-06 in 251458 control chromosomes (gnomAD). The available data on variant occurrences in the general population are insufficient to allow any conclusion about variant significance. c.9068G>A has been reported in the literature in individuals affected with Breast Cancer affected individuals (Momozawa_2018) and unaffected controls (Momozawa_2018 and Dorling_2021). These reports do not provide unequivocal conclusions about association of the variant with Ataxia-Telangiectasia. To our knowledge, no experimental evidence demonstrating an impact on protein function has been reported. Three clinical diagnostic laboratories have submitted clinical-significance assessments for this variant to ClinVar after 2014 and all laboratories classified the variant as uncertain significance. Based on the evidence outlined above, the variant was classified as uncertain significance.

Natera, Inc.
Classification: Uncertain significance for Ataxia-telangiectasia. Last evaluated: 2020-09-23. Review status: no assertion criteria provided. Collection method: clinical testing. Allele origin: germline. Not counted in ClinVar's aggregate classification.

Literature cited by the submitters: PubMed 30287823 (cited by 5 submitters); PubMed 33471991 (cited by 3 submitters).

NM_000051.4(ATM):c.9068G>A (p.Gly3023Asp)

Genes: C11orf65 (chromosome 11 open reading frame 65; minus strand), ATM (ATM serine/threonine kinase; plus strand). Cytogenetic location: 11q22.3.
Variant type: single nucleotide variant.
Coding change: c.9068G>A on transcript NM_000051.4 (MANE Select); coding-DNA position 9068, G replaced by A.
Protein change: p.Gly3023Asp; replaces glycine 3023 with aspartic acid.
Molecular consequence: missense variant. On other transcripts: intron variant (2).
Genome position (GRCh38, 1-based): chr11:108,365,405, G>A. VCF-style: chr11-108365405-G-A. GRCh37 (hg19) VCF-style: chr11-108236132-G-A.
Other names: c.9068G>A, p.Gly3023Asp (NM_001351834.2); c.640+20515C>T (NM_001330368.2); c.694+20515C>T (NM_001351110.2); short protein forms G3023D.
Identifiers: ClinVar variation 236797 (VCV000236797.33), dbSNP rs769548726, ClinGen allele CA6266517.